The following is an entry in ClinVar:

NM_000170.3(GLDC):c.384G>C (p.Gln128His)

Gene: GLDC (glycine decarboxylase; minus strand). Cytogenetic location: 9p24.1.
Variant type: single nucleotide variant.
Coding change: c.384G>C on transcript NM_000170.3 (MANE Select); coding-DNA position 384, G replaced by C.
Protein change: p.Gln128His; replaces glutamine 128 with histidine.
Molecular consequence: missense variant.
Genome position (GRCh38, 1-based): chr9:6,620,270, C>G on the plus strand (G>C on the coding strand, the complement: GLDC is on the minus strand). VCF-style: chr9-6620270-C-G. GRCh37 (hg19) VCF-style: chr9-6620270-C-G.
Other names: short protein forms Q128H.
Identifiers: ClinVar variation 1514300 (VCV001514300.8), dbSNP rs2129949115, ClinGen allele CA372879637.

ClinVar aggregate classification (germline): Uncertain significance (1 of 4 stars; one submission).

Conditions:
Glycine encephalopathy. Also called: Nonketotic hyperglycinemia; Non-ketotic hyperglycinemia. Identifiers: Orphanet 407, MedGen C0751748, MONDO:0011612, HP:0008288.

Submission:

Labcorp Genetics (formerly Invitae), Labcorp
Classification: Uncertain significance for Glycine encephalopathy. Last evaluated: 2021-03-24. Review status: criteria provided, single submitter. Criteria: Invitae Variant Classification Sherloc (09022015). Collection method: clinical testing. Allele origin: germline.
Comment: In summary, the available evidence is currently insufficient to determine the role of this variant in disease. Therefore, it has been classified as a Variant of Uncertain Significance. Advanced modeling of protein sequence and biophysical properties (such as structural, functional, and spatial information, amino acid conservation, physicochemical variation, residue mobility, and thermodynamic stability) performed at Invitae indicates that this missense variant is not expected to disrupt GLDC protein function. This variant has not been reported in the literature in individuals with GLDC-related conditions. This variant is not present in population databases (ExAC no frequency). This sequence change replaces glutamine with histidine at codon 128 of the GLDC protein (p.Gln128His). The glutamine residue is weakly conserved and there is a small physicochemical difference between glutamine and histidine.